The following is an entry in ClinVar:

ClinVar aggregate classification (germline): Uncertain significance. Review status: criteria provided, multiple submitters, no conflicts (2 of 4 stars). 2 submissions from 2 submitters: Uncertain significance (2). Last evaluated 2023-03-24.

Conditions:
Hereditary cancer-predisposing syndrome. Also called: Hereditary Cancer Syndrome; Neoplastic Syndromes, Hereditary; Hereditary neoplastic syndrome; Tumor predisposition. Identifiers: Orphanet 140162, MedGen C0027672, MeSH D009386, MONDO:0015356.

Submissions (2):

Ambry Genetics
Classification: Uncertain significance for Hereditary cancer-predisposing syndrome. Last evaluated: 2023-03-24. Review status: criteria provided, single submitter. Criteria: Ambry Variant Classification Scheme 2023. Collection method: clinical testing. Allele origin: germline.
Comment: The p.R357P variant (also known as c.1070G>C), located in coding exon 7 of the CTNNA1 gene, results from a G to C substitution at nucleotide position 1070. The arginine at codon 357 is replaced by proline, an amino acid with dissimilar properties. This amino acid position is conserved. In addition, this alteration is predicted to be deleterious by in silico analysis. Since supporting evidence is limited at this time, the clinical significance of this alteration remains unclear.

Labcorp Genetics (formerly Invitae), Labcorp
Classification: Uncertain significance. Last evaluated: 2022-09-01. Review status: criteria provided, single submitter. Criteria: Invitae Variant Classification Sherloc (09022015). Collection method: clinical testing. Allele origin: germline.
Comment: In summary, the available evidence is currently insufficient to determine the role of this variant in disease. Therefore, it has been classified as a Variant of Uncertain Significance. Algorithms developed to predict the effect of missense changes on protein structure and function are either unavailable or do not agree on the potential impact of this missense change (SIFT: "Deleterious"; PolyPhen-2: "Benign"; Align-GVGD: "Class C0"). This variant has not been reported in the literature in individuals affected with CTNNA1-related conditions. This variant is not present in population databases (gnomAD no frequency). This sequence change replaces arginine, which is basic and polar, with proline, which is neutral and non-polar, at codon 357 of the CTNNA1 protein (p.Arg357Pro).

NM_001903.5(CTNNA1):c.1070G>C (p.Arg357Pro)

Gene: CTNNA1 (catenin alpha 1; plus strand). Cytogenetic location: 5q31.2.
Variant type: single nucleotide variant.
Coding change: c.1070G>C on transcript NM_001903.5 (MANE Select); coding-DNA position 1070, G replaced by C.
Protein change: p.Arg357Pro; replaces arginine 357 with proline.
Molecular consequence: missense variant. On other transcripts: 5 prime UTR variant (26), intron variant (2).
Genome position (GRCh38, 1-based): chr5:138,886,219, G>C. VCF-style: chr5-138886219-G-C. GRCh37 (hg19) VCF-style: chr5-138221908-G-C.
Other names: c.1070G>C, p.Arg357Pro (NM_001290307.3, NM_001323982.2, NM_001323983.1 and 3 more transcripts); c.761G>C, p.Arg254Pro (NM_001290309.3); c.701G>C, p.Arg234Pro (NM_001290310.3); c.-41G>C (NM_001290312.1, NM_001323987.1, NM_001323988.1 and 18 more transcripts); c.-438G>C (NM_001324006.1, NM_001324007.1, NM_001324008.1 and 1 more transcripts); c.-313G>C (NM_001324013.1); c.-58+10622G>C (NM_001324012.1); c.-61+10622G>C (NM_001324010.1); and 1 more; short protein forms R357P, R234P, R254P.
Identifiers: ClinVar variation 2016403 (VCV002016403.6), dbSNP rs192686066, ClinGen allele CA361132474.